The following is an entry in ClinVar:

ClinVar aggregate classification (germline): Uncertain significance (1 of 4 stars; one submission).

Conditions:
Mitochondrial DNA depletion syndrome, encephalomyopathic form with methylmalonic aciduria (MTDPS5). Also called: Mitochondrial encephalomyopathy aminoacidopathy; MITOCHONDRIAL DNA DEPLETION SYNDROME, ENCEPHALOMYOPATHIC FORM, WITH OR WITHOUT METHYLMALONIC ACIDURIA, AUTOSOMAL RECESSIVE, SUCLA2-RELATED; SUCLA2-Related Mitochondrial DNA Depletion Syndrome, Encephalomyopathic Form with Methylmalonic Aciduria; Mitochondrial DNA depletion syndrome 5 (encephalomyopathic with or without methylmalonic aciduria). Identifiers: Orphanet 1933, MedGen C5980207, MONDO:0012791, OMIM 612073.

Allele frequency attached by ClinVar (database versions not stated): ExAC 0.00001; gnomAD 0.00001; TOPMed 0.00001.
gnomAD v4.1: 2 of 1,613,698 alleles (0.00012%); highest among the groups gnomAD compares: Non-Finnish European, 0.00017%; no homozygotes.

Submission:

Labcorp Genetics (formerly Invitae), Labcorp
Classification: Uncertain significance for Mitochondrial DNA depletion syndrome, encephalomyopathic form with methylmalonic aciduria. Last evaluated: 2022-05-27. Review status: criteria provided, single submitter. Criteria: Invitae Variant Classification Sherloc (09022015). Collection method: clinical testing. Allele origin: germline.
Comment: This sequence change replaces glutamic acid, which is acidic and polar, with glutamine, which is neutral and polar, at codon 174 of the SUCLA2 protein (p.Glu174Gln). This variant is present in population databases (rs751953767, gnomAD 0.0009%). This variant has not been reported in the literature in individuals affected with SUCLA2-related conditions. Algorithms developed to predict the effect of missense changes on protein structure and function are either unavailable or do not agree on the potential impact of this missense change (SIFT: "Deleterious"; PolyPhen-2: "Probably Damaging"; Align-GVGD: "Class C0"). In summary, the available evidence is currently insufficient to determine the role of this variant in disease. Therefore, it has been classified as a Variant of Uncertain Significance.

NM_003850.3(SUCLA2):c.520G>C (p.Glu174Gln)

Gene: SUCLA2 (succinate-CoA ligase ADP-forming subunit beta; minus strand). Cytogenetic location: 13q14.2.
Variant type: single nucleotide variant.
Coding change: c.520G>C on transcript NM_003850.3 (MANE Select); coding-DNA position 520, G replaced by C.
Protein change: p.Glu174Gln; replaces glutamic acid 174 with glutamine.
Molecular consequence: missense variant.
Genome position (GRCh38, 1-based): chr13:47,988,555, C>G on the plus strand (G>C on the coding strand, the complement: SUCLA2 is on the minus strand). VCF-style: chr13-47988555-C-G. GRCh37 (hg19) VCF-style: chr13-48562690-C-G.
Other names: short protein forms E174Q.
Identifiers: ClinVar variation 1432628 (VCV001432628.5), dbSNP rs751953767, ClinGen allele CA6977994.